The following is an entry in ClinVar:

ClinVar aggregate classification (germline): Uncertain significance (1 of 4 stars; one submission).

Submission:

Labcorp Genetics (formerly Invitae), Labcorp
Classification: Uncertain significance. Last evaluated: 2025-04-10. Review status: criteria provided, single submitter. Criteria: Invitae Variant Classification Sherloc (09022015). Collection method: clinical testing. Allele origin: germline.
Comment: This sequence change replaces lysine, which is basic and polar, with isoleucine, which is neutral and non-polar, at codon 2050 of the ARID1B protein (p.Lys2050Ile). This variant is not present in population databases (gnomAD no frequency). This variant has not been reported in the literature in individuals affected with ARID1B-related conditions. Invitae Evidence Modeling of protein sequence and biophysical properties (such as structural, functional, and spatial information, amino acid conservation, physicochemical variation, residue mobility, and thermodynamic stability) indicates that this missense variant is not expected to disrupt ARID1B protein function with a negative predictive value of 95%. In summary, the available evidence is currently insufficient to determine the role of this variant in disease. Therefore, it has been classified as a Variant of Uncertain Significance.

NM_001374828.1(ARID1B):c.6269A>T (p.Lys2090Ile)

Gene: ARID1B (AT-rich interaction domain 1B; plus strand). Cytogenetic location: 6q25.3.
Variant type: single nucleotide variant.
Coding change: c.6269A>T on transcript NM_001374828.1 (MANE Select); coding-DNA position 6269, A replaced by T.
Protein change: p.Lys2090Ile; replaces lysine 2090 with isoleucine.
Molecular consequence: missense variant.
Genome position (GRCh38, 1-based): chr6:157,207,041, A>T. VCF-style: chr6-157207041-A-T. GRCh37 (hg19) VCF-style: chr6-157528175-A-T.
Other names: c.3770A>T, p.Lys1257Ile (NM_001363725.2); c.6149A>T, p.Lys2050Ile (NM_001371656.1, NM_001374820.1); c.6398A>T, p.Lys2133Ile (NM_001438482.1); c.6311A>T, p.Lys2104Ile (NM_001438483.1); c.6179A>T, p.Lys2060Ile (NM_001438485.1); c.6152A>T, p.Lys2051Ile (NM_001438486.1); c.6089A>T, p.Lys2030Ile (NM_001438487.1); c.3611A>T, p.Lys1204Ile (NM_001438488.1); and 1 more; short protein forms K1204I, K1257I, K2030I, K2037I, K2050I, K2051I, K2060I, K2090I.
Identifiers: ClinVar variation 4801408 (VCV004801408.1).